The following is an entry in ClinVar:

NM_004415.4(DSP):c.340G>A (p.Ala114Thr)

Gene: DSP (desmoplakin; plus strand). Cytogenetic location: 6p24.3.
Variant type: single nucleotide variant.
Coding change: c.340G>A on transcript NM_004415.4 (MANE Select); coding-DNA position 340, G replaced by A.
Protein change: p.Ala114Thr; replaces alanine 114 with threonine.
Molecular consequence: missense variant.
Genome position (GRCh38, 1-based): chr6:7,558,182, G>A. VCF-style: chr6-7558182-G-A. GRCh37 (hg19) VCF-style: chr6-7558415-G-A.
Other names: c.340G>A, p.Ala114Thr (NM_001008844.3, NM_001319034.2); short protein forms A114T.
Identifiers: ClinVar variation 1059421 (VCV001059421.15), dbSNP rs751745906, ClinGen allele CA038063.

ClinVar aggregate classification (germline): Conflicting classifications of pathogenicity. Review status: criteria provided, conflicting classifications (1 of 4 stars). 3 submissions from 3 submitters: Uncertain significance (2); Likely benign (1). Last evaluated 2025-12-15.

Conditions:
Arrhythmogenic cardiomyopathy with wooly hair and keratoderma. Also called: Arrhythmogenic cardiomyopathy with woolly hair and keratoderma; Carvajal syndrome; Dilated cardiomyopathy with woolly hair and keratoderma; PALMOPLANTAR KERATODERMA WITH LEFT VENTRICULAR CARDIOMYOPATHY AND WOOLLY HAIR. Identifiers: Orphanet 65282, MedGen C1854063, MONDO:0011581, OMIM 605676.
Arrhythmogenic right ventricular dysplasia 8 (ARVD8). Also called: Arrhythmogenic Right Ventricular Dysplasia/Cardiomyopathy 8; ARRHYTHMOGENIC RIGHT VENTRICULAR DYSPLASIA, FAMILIAL, 8; ARRHYTHMOGENIC RIGHT VENTRICULAR CARDIOMYOPATHY 8. Identifiers: MedGen C1843896, MONDO:0011831, OMIM 607450.
Cardiomyopathy (CMYO). Also called: Cardiomyopathies. Identifiers: Orphanet 167848, MedGen C0878544, MONDO:0004994, HP:0001638. Inheritance: Various modes of inheritance.
Cardiovascular phenotype. Identifiers: MedGen CN230736.

Allele frequency attached by ClinVar (database versions not stated): gnomAD exomes below 0.00001 and 0.00002; gnomAD 0.00001; TOPMed 0.00002; ExAC 0.00003.
gnomAD v4.1: 7 of 1,614,078 alleles (0.00043%); highest among the groups gnomAD compares: East Asian, 0.013%; no homozygotes.

Submissions (3):

Labcorp Genetics (formerly Invitae), Labcorp
Classification: Likely benign for Arrhythmogenic cardiomyopathy with wooly hair and keratoderma; Arrhythmogenic right ventricular dysplasia 8. Last evaluated: 2025-12-15. Review status: criteria provided, single submitter. Criteria: Invitae Variant Classification Sherloc (09022015). Collection method: clinical testing. Allele origin: germline.

Color Diagnostics, LLC DBA Color Health
Classification: Uncertain significance for Cardiomyopathy. Last evaluated: 2024-03-06. Review status: criteria provided, single submitter. Criteria: ACMG Guidelines, 2015. Collection method: clinical testing. Allele origin: germline.
Comment: This missense variant replaces alanine with threonine at codon 114 of the DSP protein. Computational prediction suggests that this variant may not impact protein structure and function (internally defined REVEL score threshold <= 0.5, PMID: 27666373). To our knowledge, functional studies have not been reported for this variant. This variant has not been reported in individuals affected with cardiovascular disorders in the literature. This variant has been identified in 6/251460 chromosomes in the general population by the Genome Aggregation Database (gnomAD). The available evidence is insufficient to determine the role of this variant in disease conclusively. Therefore, this variant is classified as a Variant of Uncertain Significance.

Ambry Genetics
Classification: Uncertain significance for Cardiovascular phenotype. Last evaluated: 2022-07-25. Review status: criteria provided, single submitter. Criteria: Ambry Variant Classification Scheme 2023. Collection method: clinical testing. Allele origin: germline.
Comment: The p.A114T variant (also known as c.340G>A), located in coding exon 3 of the DSP gene, results from a G to A substitution at nucleotide position 340. The alanine at codon 114 is replaced by threonine, an amino acid with similar properties. This amino acid position is highly conserved in available vertebrate species. In addition, the in silico prediction for this alteration is inconclusive. Since supporting evidence is limited at this time, the clinical significance of this alteration remains unclear.